The following is an entry in ClinVar:

NM_001034116.2(EIF2B4):c.398_406del (p.Thr133_Glu136delinsLys)

Gene: EIF2B4 (eukaryotic translation initiation factor 2B subunit delta; minus strand). Cytogenetic location: 2p23.3.
Variant type: Deletion.
Coding change: c.398_406del on transcript NM_001034116.2 (MANE Select); coding-DNA positions 398 to 406, 9 bases deleted (CAGCTGGAG; older notation c.398_406delCAGCTGGAG).
Protein change: p.Thr133_Glu136delinsLys.
Molecular consequence: inframe indel. On other transcripts: 5 prime UTR variant (1), intron variant (1).
Genome position (GRCh38, 1-based): chr2:27,369,018-27,369,026, CTCCAGCTG deleted on the plus strand (CAGCTGGAG on the coding strand, the reverse complement: EIF2B4 is on the minus strand). VCF-style (leftmost placement, unchanged base first): chr2-27369017-TCTCCAGCTG-T. GRCh37 (hg19) VCF-style: chr2-27591884-TCTCCAGCTG-T.
Other names: c.458_466delCAGCTGGAG (NM_172195.3); c.461_469del, p.Thr154_Glu157delinsLys (NM_001318965.2); c.353_361del, p.Thr118_Glu121delinsLys (NM_001318966.2); c.305_313del, p.Thr102_Glu105delinsLys (NM_001318967.2); c.-195_-187del (NM_001318969.2); c.395_403del, p.Thr132_Glu135delinsLys (NM_015636.4); c.458_466del, p.Thr153_Glu156delinsLys (NM_172195.4); c.-168+50_-168+58del (NM_001318968.2); and 1 more.
Identifiers: ClinVar variation 808717 (VCV000808717.49), dbSNP rs769575268, ClinGen allele CA1576925.

ClinVar aggregate classification (germline): Uncertain significance. Review status: criteria provided, multiple submitters, no conflicts (2 of 4 stars). 5 submissions from 5 submitters: Uncertain significance (5). Last evaluated 2024-11-01.

Conditions:
Inborn genetic diseases. Identifiers: MedGen C0950123, MeSH D030342.
Vanishing white matter disease. Also called: CACH syndrome; Childhood ataxia with diffuse central nervous system hypomyelination; Leukoencephalopathy with vanishing white matter; CACH/VWM syndrome; Cree leukoencehalopathy. Identifiers: Orphanet 135, Orphanet 99853, MedGen C1858991, MONDO:0800448.

Allele frequency attached by ClinVar (database versions not stated): ESP Exome Variant Server 0.00008; 1000 Genomes Project 30x 0.00016; gnomAD exomes 0.00018 and 0.00020; ExAC 0.00020; TOPMed 0.00020; gnomAD 0.00021.

Submissions (5):

CeGaT Center for Human Genetics Tuebingen
Classification: Uncertain significance. Last evaluated: 2024-11-01. Review status: criteria provided, single submitter. Criteria: CeGaT Center For Human Genetics Tuebingen Variant Classification Criteria Version 2. Collection method: clinical testing. Allele origin: germline. Affected: yes. Observed: 2 variant alleles.
Comment: EIF2B4: PM2, PM4

Labcorp Genetics (formerly Invitae), Labcorp
Classification: Uncertain significance. Last evaluated: 2022-10-31. Review status: criteria provided, single submitter. Criteria: Invitae Variant Classification Sherloc (09022015). Collection method: clinical testing. Allele origin: germline.
Comment: This variant, c.395_403del, is a complex sequence change that results in the deletion of four and insertion of one amino acid(s) in the EIF2B4 protein (p.Thr132_Glu135delinsLys). This variant is present in population databases (rs769575268, gnomAD 0.03%). This variant has not been reported in the literature in individuals affected with EIF2B4-related conditions. ClinVar contains an entry for this variant (Variation ID: 808717). Experimental studies and prediction algorithms are not available or were not evaluated, and the functional significance of this variant is currently unknown. Algorithms developed to predict the effect of sequence changes on RNA splicing suggest that this variant may create or strengthen a splice site. In summary, the available evidence is currently insufficient to determine the role of this variant in disease. Therefore, it has been classified as a Variant of Uncertain Significance.

Ambry Genetics
Classification: Uncertain significance for Inborn genetic diseases. Last evaluated: 2022-07-08. Review status: criteria provided, single submitter. Criteria: Ambry Variant Classification Scheme 2023. Collection method: clinical testing. Allele origin: germline.
Comment: The c.395_403delCAGCTGGAG (p.T132_E135delinsK) alteration is located in exon 4 (coding exon 4) of the EIF2B4 gene. This alteration consists of an in-frame deletion of 9 nucleotides between nucleotide positions c.395 and c.403, resulting in the deletion of 3 residues. Based on insufficient or conflicting evidence, the clinical significance of this alteration remains unclear.

Centre for Mendelian Genomics, University Medical Centre Ljubljana
Classification: Uncertain significance for Leukoencephalopathy with vanishing white matter 1. Last evaluated: 2019-11-12. Review status: criteria provided, single submitter. Criteria: ACMG Guidelines, 2015. Collection method: clinical testing. Allele origin: unknown. Affected: yes.
Comment: This variant was classified as: Uncertain significance. The available evidence favors the pathogenic nature of this variant, however the currently available data is insufficient to conclusively support its pathogenic nature. Thus this variant is classified as Uncertain significance - favor pathogenic. The following ACMG criteria were applied in classifying this variant: PM4. This variant was detected in homozygous state.

Knight Diagnostic Laboratories, Oregon Health and Sciences University
Classification: Uncertain significance for Leukoencephalopathy with vanishing white matter. Last evaluated: 2019-08-27. Review status: criteria provided, single submitter. Criteria: ACMG Guidelines, 2015. Collection method: clinical testing. Allele origin: germline. Observed: 1 variant allele.